The following is an entry in ClinVar:

ClinVar aggregate classification (germline): Uncertain significance (1 of 4 stars; one submission).

Conditions:
Dilated cardiomyopathy 1O (CMD1O). Also called: CARDIOMYOPATHY, DILATED, WITH VENTRICULAR TACHYCARDIA. Identifiers: Orphanet 154, MedGen C1837839, MONDO:0012062, OMIM 608569.

Submission:

Labcorp Genetics (formerly Invitae), Labcorp
Classification: Uncertain significance for Dilated cardiomyopathy 1O. Last evaluated: 2021-04-02. Review status: criteria provided, single submitter. Criteria: Invitae Variant Classification Sherloc (09022015). Collection method: clinical testing. Allele origin: germline.
Comment: A gross deletion of the genomic region encompassing the full coding sequence of the ABCC9 gene has been identified. The current clinical and genetic evidence is not sufficient to establish whether loss-of-function variants in ABCC9 cause disease. The boundaries of this event are unknown as they extend beyond the assayed region for this gene and therefore may encompass additional genes. This variant has not been reported in the literature in individuals with ABCC9-related conditions. In summary, the available evidence is currently insufficient to determine the role of this variant in disease. Therefore, it has been classified as a Variant of Uncertain Significance.

NC_000012.11:g.(?_21590665)_(22089608_?)del

Genes: SPX (spexin hormone; plus strand), ABCC9 (ATP binding cassette subfamily C member 9; minus strand), GOLT1B (golgi transport 1B; plus strand), GYS2 (glycogen synthase 2; minus strand), KCNJ8 (potassium inwardly rectifying channel subfamily J member 8; minus strand) and 3 more. Cytogenetic location: 12p12.1.
Variant type: Deletion.
Identifiers: ClinVar variation 1411401 (VCV001411401.3).